The following is an entry in ClinVar:

ClinVar aggregate classification (germline): Conflicting classifications of pathogenicity. Review status: criteria provided, conflicting classifications (1 of 4 stars). 3 submissions from 3 submitters: Uncertain significance (1); Benign (1). 1 of the submissions does not count toward it. Last evaluated 2025-12-01.

Conditions:
SLC27A5-related disorder. Also called: SLC27A5-related condition.

Allele frequency attached by ClinVar (database versions not stated): 1000 Genomes Project 30x 0.00078; 1000 Genomes Project 0.00080; ExAC 0.00125; gnomAD exomes 0.00126 and 0.00193; gnomAD 0.00132 and 0.00135; TOPMed 0.00145; ESP Exome Variant Server 0.00169.
gnomAD v4.1: 2,998 of 1,612,274 alleles (0.19%); highest among the groups gnomAD compares: Non-Finnish European, 0.23%; 3 homozygotes.

Submissions (3):

Labcorp Genetics (formerly Invitae), Labcorp
Classification: Benign. Last evaluated: 2025-12-01. Review status: criteria provided, single submitter. Criteria: Invitae Variant Classification Sherloc (09022015). Collection method: clinical testing. Allele origin: germline.

Eurofins Ntd Llc (ga)
Classification: Uncertain significance. Last evaluated: 2018-07-17. Review status: criteria provided, single submitter. Criteria: EGL ClinVar v180209 classification definitions. Collection method: clinical testing. Allele origin: germline. Observed: 12 variant alleles, 11 heterozygotes, 1 homozygote.

PreventionGenetics, part of Exact Sciences
Classification: Likely benign for SLC27A5-related condition. Last evaluated: 2022-06-24. Review status: no assertion criteria provided. Collection method: clinical testing. Allele origin: germline. Not counted in ClinVar's aggregate classification.
Comment: This variant is classified as likely benign based on ACMG/AMP sequence variant interpretation guidelines (Richards et al. 2015 PMID: 25741868, with internal and published modifications).

NM_012254.3(SLC27A5):c.899-6C>T

Gene: SLC27A5 (solute carrier family 27 member 5; minus strand). Cytogenetic location: 19q13.43.
Variant type: single nucleotide variant.
Coding change: c.899-6C>T on transcript NM_012254.3 (MANE Select); 6 bases into the intron before coding-DNA position 899, C replaced by T.
Molecular consequence: intron variant.
Genome position (GRCh38, 1-based): chr19:58,510,011, G>A on the plus strand (C>T on the coding strand, the complement: SLC27A5 is on the minus strand). VCF-style: chr19-58510011-G-A. GRCh37 (hg19) VCF-style: chr19-59021378-G-A.
Other names: c.899-6C>T (NM_012254.2); c.647-6C>T (NM_001321196.2).
Identifiers: ClinVar variation 281722 (VCV000281722.11), dbSNP rs200114980, ClinGen allele CA9718160.